The following is an entry in ClinVar:

NM_031483.7(ITCH):c.2345A>G (p.Lys782Arg)

Gene: ITCH (itchy E3 ubiquitin protein ligase; plus strand). Cytogenetic location: 20q11.22.
Variant type: single nucleotide variant.
Coding change: c.2345A>G on transcript NM_031483.7 (MANE Select); coding-DNA position 2345, A replaced by G.
Protein change: p.Lys782Arg; replaces lysine 782 with arginine.
Molecular consequence: missense variant.
Genome position (GRCh38, 1-based): chr20:34,492,526, A>G. VCF-style: chr20-34492526-A-G. GRCh37 (hg19) VCF-style: chr20-33080331-A-G.
Other names: c.2345A>G (NM_031483.4); c.2468A>G, p.Lys823Arg (NM_001257137.3, NM_001324197.2); c.2015A>G, p.Lys672Arg (NM_001257138.3); c.2345A>G, p.Lys782Arg (NM_001324198.2); short protein forms K672R, K782R, K823R.
Identifiers: ClinVar variation 1675094 (VCV001675094.5), dbSNP rs1420460046, ClinGen allele CA408673577.
Genomic context (GRCh38, chr20:34,492,526, plus strand): 5'-TGACATATATATCTCTTTAAATATACTTTTAACAGTTTGTTAAAGAAATTGATAATGAGA[A>G]GAGAATGAGACTTCTGCAGTTTGTTACTGGAACCTGCCGATTGCCAGTAGGAGGATTTGC-3'
Protein context (NP_113671.3, residues 772-792): WQFVKEIDNE[Lys782Arg]RMRLLQFVTG

ClinVar aggregate classification (germline): Uncertain significance. Review status: criteria provided, multiple submitters, no conflicts (2 of 4 stars). 3 submissions from 3 submitters: Uncertain significance (3). Last evaluated 2025-08-06.

Conditions:
Syndromic multisystem autoimmune disease due to ITCH deficiency. Also called: AUTOIMMUNE DISEASE, MULTISYSTEM, WITH FACIAL DYSMORPHISM. Identifiers: Orphanet 228426, MedGen C3150649, MONDO:0013245, OMIM 613385.
Inborn genetic diseases. Identifiers: MedGen C0950123, MeSH D030342.

Allele frequency attached by ClinVar (database versions not stated): gnomAD exomes below 0.00001.
gnomAD v4.1: 1 of 1,611,098 alleles (0.000062%); highest among the groups gnomAD compares: Admixed American, 0.0017%; no homozygotes.

Submissions (3):

Ambry Genetics
Classification: Uncertain significance for Inborn genetic diseases. Last evaluated: 2025-08-06. Review status: criteria provided, single submitter. Criteria: Ambry Variant Classification Scheme 2023. Collection method: clinical testing. Allele origin: germline.

Labcorp Genetics (formerly Invitae), Labcorp
Classification: Uncertain significance for Syndromic multisystem autoimmune disease due to ITCH deficiency. Last evaluated: 2022-11-12. Review status: criteria provided, single submitter. Criteria: Invitae Variant Classification Sherloc (09022015). Collection method: clinical testing. Allele origin: germline.
Comment: This variant has not been reported in the literature in individuals affected with ITCH-related conditions. In summary, the available evidence is currently insufficient to determine the role of this variant in disease. Therefore, it has been classified as a Variant of Uncertain Significance. Algorithms developed to predict the effect of missense changes on protein structure and function are either unavailable or do not agree on the potential impact of this missense change (SIFT: "Not Available"; PolyPhen-2: "Probably Damaging"; Align-GVGD: "Not Available"). ClinVar contains an entry for this variant (Variation ID: 1675094). This variant is present in population databases (no rsID available, gnomAD 0.003%). This sequence change replaces lysine, which is basic and polar, with arginine, which is basic and polar, at codon 782 of the ITCH protein (p.Lys782Arg).

Center for Genomics, Ann and Robert H. Lurie Children's Hospital of Chicago
Classification: Uncertain significance for Syndromic multisystem autoimmune disease due to ITCH deficiency. Last evaluated: 2022-01-29. Review status: criteria provided, single submitter. Criteria: ACMG Guidelines, 2015. Collection method: clinical testing. Allele origin: germline.
Comment: ITCH NM_031483.6 exon 23 p.Lys782Arg (c.2345A>G): This variant has not been reported in the literature and is not present in large control databases. Evolutionary conservation suggests that this variant may impact the protein; computational predictive tools suggest that this variant may not impact the protein. In summary, data on this variant is insufficient for disease classification. Therefore, the clinical significance of this variant is uncertain.